The following is an entry in ClinVar:

NM_000520.6(HEXA):c.1330+1G>A

Gene: HEXA (hexosaminidase subunit alpha; minus strand). Cytogenetic location: 15q23.
Variant type: single nucleotide variant.
Coding change: c.1330+1G>A on transcript NM_000520.6 (MANE Select); the canonical splice donor site of the intron after coding-DNA position 1330, G replaced by A.
Molecular consequence: splice donor variant.
Genome position (GRCh38, 1-based): chr15:72,346,526, C>T on the plus strand (G>A on the coding strand, the complement: HEXA is on the minus strand). VCF-style: chr15-72346526-C-T. GRCh37 (hg19) VCF-style: chr15-72638867-C-T.
Other names: c.1363+1G>A (NM_001318825.2).
Identifiers: ClinVar variation 371490 (VCV000371490.20), dbSNP rs767041069, ClinGen allele CA7644735.

ClinVar aggregate classification (germline): Pathogenic. Review status: criteria provided, multiple submitters, no conflicts (2 of 4 stars). 6 submissions from 6 submitters: Pathogenic (5). 1 of the submissions does not count toward it. Last evaluated 2025-12-30.

Conditions:
Tay-Sachs disease (TSD). Also called: HEXA DEFICIENCY; GM2 gangliosidosis, type 1; Hexosaminidase alpha-subunit deficiency (variant B); Sphingolipidosis, Tay-Sachs; Hexosaminidase A Deficiency; HEXA Disorders. Identifiers: Orphanet 845, MedGen C0039373, MONDO:0010100, OMIM 272800.

Allele frequency attached by ClinVar (database versions not stated): ExAC 0.00001; gnomAD exomes below 0.00001; TOPMed below 0.00001.
gnomAD v4.1: 2 of 1,613,806 alleles (0.00012%); highest among the groups gnomAD compares: Admixed American, 0.0033%; no homozygotes.

Submissions (6):

Natera, Inc.
Classification: Pathogenic for Tay-Sachs disease. Last evaluated: 2025-12-30. Review status: criteria provided, single submitter. Criteria: Natera Variant Classification Schema (03/2026). Collection method: clinical testing. Allele origin: germline.
Comment: The c.1330+1G>A variant in HEXA is a canonical splice donor site variant predicted to affect pre-mRNA splicing, which may result in an abnormal transcript and altered protein product. This variant is expected to result in nonsense mediated decay, truncation, or a dysfunctional protein product. This variant is rare in the general population with a frequency below the threshold expected for the associated phenotype(s). This variant has been observed in one or more individuals affected with the associated recessive disease, as either homozygous or compound heterozygous with a second variant (PMID: 22441121). Given the available evidence, this variant is classified as Pathogenic.

Labcorp Genetics (formerly Invitae), Labcorp
Classification: Pathogenic for Tay-Sachs disease. Last evaluated: 2023-10-13. Review status: criteria provided, single submitter. Criteria: Invitae Variant Classification Sherloc (09022015). Collection method: clinical testing. Allele origin: germline.
Comment: This sequence change affects a donor splice site in intron 11 of the HEXA gene. It is expected to disrupt RNA splicing. Variants that disrupt the donor or acceptor splice site typically lead to a loss of protein function (PMID: 16199547), and loss-of-function variants in HEXA are known to be pathogenic (PMID: 1833974, 8490625). This variant is present in population databases (rs767041069, gnomAD 0.003%). Disruption of this splice site has been observed in individual(s) with Tay-Sachs disease (PMID: 16088929, 22441121). ClinVar contains an entry for this variant (Variation ID: 371490). Algorithms developed to predict the effect of sequence changes on RNA splicing suggest that this variant may disrupt the consensus splice site. For these reasons, this variant has been classified as Pathogenic.

Women's Health and Genetics/Laboratory Corporation of America, LabCorp
Classification: Pathogenic for Tay-Sachs disease. Last evaluated: 2020-08-24. Review status: criteria provided, single submitter. Criteria: LabCorp Variant Classification Summary - May 2015. Collection method: clinical testing. Allele origin: germline.
Comment: Variant summary: HEXA c.1330+1G>A is located in a canonical splice-site and is predicted to affect mRNA splicing resulting in a significantly altered protein due to either exon skipping, shortening, or inclusion of intronic material. Several computational tools predict a significant impact on normal splicing: Three predict that the variant abolishes a 5' splicing donor site. However, these predictions have yet to be confirmed by functional studies. The variant allele was found at a frequency of 4e-06 in 250950 control chromosomes. c.1330+1G>A has been reported in the literature in individuals affected with Tay-Sachs Disease and Juvenile GM2 gangliosidosis (e.g. Montalvo_2005, Maegawa_2006, Zampieri_2012). Patient cells with the variant were shown to have reduced levels of HEXA enzyme activity (e.g. Maegawa_2006). These data indicate that the variant is likely to be associated with disease. Two other clinical diagnostic laboratories have submitted clinical-significance assessments for this variant to ClinVar after 2014 without evidence for independent evaluation. Both laboratories cited the variant as pathogenic. Based on the evidence outlined above, the variant was classified as pathogenic.

GeneDx
Classification: Pathogenic. Last evaluated: 2019-05-06. Review status: criteria provided, single submitter. Criteria: GeneDx Variant Classification Process June 2021. Collection method: clinical testing. Allele origin: germline. Affected: yes.
Comment: Canonical splice site variant in a gene for which loss-of-function is a known mechanism of disease; Not observed at a significant frequency in large population cohorts (Lek et al., 2016); This variant is associated with the following publications: (PMID: 16088929, 22441121)

Rady Children's Institute for Genomic Medicine, Rady Children's Hospital San Diego
Classification: Pathogenic for Hexosaminidase A deficiency. Review status: criteria provided, single submitter. Criteria: ACMG Guidelines, 2015. Collection method: clinical testing. Allele origin: germline. Affected: yes.
Comment: This variant affects the canonical splice donor site of intron 11 and is therefore predicted to interfere with splicing and result in loss of normal protein function through either protein truncation or nonsense-mediated mRNA decay (NMD). This variant has been previously reported as a compound heterozygous or homozygous change in patients with infantile Tay-Sachs disease, Tay-Sachs disease, and late onset Tay-Sachs disease (PMID:16088929, 22441121). The c.1330+1G>A variant is present in the heterozygous state in the gnomAD population database at a frequency of 0.0004% (1/250950) and is absent in the homozygous state, thus it is presumed to be rare. Based on the available evidence, the c.1330+1G>A variant is classified as Pathogenic.

Counsyl
Classification: Pathogenic for Tay-Sachs disease. Last evaluated: 2016-10-04. Review status: no assertion criteria provided. Collection method: clinical testing. Allele origin: unknown. Not counted in ClinVar's aggregate classification.

Literature cited by the submitters: PubMed 22441121 (cited by 4 submitters); PubMed 16199547 (cited by Labcorp Genetics (formerly Invitae), Labcorp); PubMed 1833974 (cited by Labcorp Genetics (formerly Invitae), Labcorp); PubMed 8490625 (cited by Labcorp Genetics (formerly Invitae), Labcorp); PubMed 16088929 (cited by 3 submitters); PubMed 17015493 (cited by Women's Health and Genetics/Laboratory Corporation of America, LabCorp).